The following is an entry in ClinVar:

NM_003850.3(SUCLA2):c.663+219G>A

Gene: SUCLA2 (succinate-CoA ligase ADP-forming subunit beta; minus strand). Cytogenetic location: 13q14.2.
Variant type: single nucleotide variant.
Coding change: c.663+219G>A on transcript NM_003850.3 (MANE Select); 219 bases into the intron after coding-DNA position 663, G replaced by A.
Molecular consequence: intron variant.
Genome position (GRCh38, 1-based): chr13:47,973,045, C>T on the plus strand (G>A on the coding strand, the complement: SUCLA2 is on the minus strand). VCF-style: chr13-47973045-C-T. GRCh37 (hg19) VCF-style: chr13-48547180-C-T.
Identifiers: ClinVar variation 670146 (VCV000670146.1), dbSNP rs4942725, ClinGen allele CA13788342.

ClinVar aggregate classification (germline): Benign (1 of 4 stars; one submission).

Allele frequency attached by ClinVar (database versions not stated): 1000 Genomes Project 30x 0.67958; 1000 Genomes Project 0.68351; TOPMed 0.71540; gnomAD 0.72757 and 0.73012.
gnomAD v4.1: 110,780 of 151,926 alleles (73%); highest among the groups gnomAD compares: Non-Finnish European, 81%; 41,333 homozygotes.

Submission:

GeneDx
Classification: Benign. Last evaluated: 2018-06-14. Review status: criteria provided, single submitter. Criteria: GeneDx Variant Classification (06012015). Collection method: clinical testing. Allele origin: germline. Affected: yes.
Comment: This variant is considered likely benign or benign based on one or more of the following criteria: it is a conservative change, it occurs at a poorly conserved position in the protein, it is predicted to be benign by multiple in silico algorithms, and/or has population frequency not consistent with disease.